The following is an entry in ClinVar:

ClinVar aggregate classification (germline): Uncertain significance (1 of 4 stars; one submission).

Conditions:
Chondrodysplasia punctata, brachytelephalangic, autosomal. Also called: BRACHYTELEPHALANGIC CHONDRODYSPLASIA PUNCTATA. Identifiers: MedGen C1844853, MONDO:0011238, OMIM 602497.

gnomAD v4.1: 12 of 1,211,103 alleles (0.00099%); highest among the groups gnomAD compares: South Asian, 0.0035%; no homozygotes.

Submission:

Labcorp Genetics (formerly Invitae), Labcorp
Classification: Uncertain significance for Chondrodysplasia punctata, brachytelephalangic, autosomal. Last evaluated: 2025-06-03. Review status: criteria provided, single submitter. Criteria: Invitae Variant Classification Sherloc (09022015). Collection method: clinical testing. Allele origin: germline.
Comment: This sequence change replaces alanine, which is neutral and non-polar, with valine, which is neutral and non-polar, at codon 544 of the ARSE protein (p.Ala544Val). This variant is present in population databases (rs756191732, gnomAD 0.01%). This variant has not been reported in the literature in individuals affected with ARSE-related conditions. Invitae Evidence Modeling of protein sequence and biophysical properties (such as structural, functional, and spatial information, amino acid conservation, physicochemical variation, residue mobility, and thermodynamic stability) indicates that this missense variant is not expected to disrupt ARSE protein function with a negative predictive value of 80%. In summary, the available evidence is currently insufficient to determine the role of this variant in disease. Therefore, it has been classified as a Variant of Uncertain Significance.

NM_000047.3(ARSL):c.1631C>T (p.Ala544Val)

Gene: ARSL (arylsulfatase L; minus strand). Cytogenetic location: Xp22.33.
Variant type: single nucleotide variant.
Coding change: c.1631C>T on transcript NM_000047.3 (MANE Select); coding-DNA position 1631, C replaced by T.
Protein change: p.Ala544Val; replaces alanine 544 with valine.
Molecular consequence: missense variant.
Genome position (GRCh38, 1-based): chrX:2,934,971, G>A on the plus strand (C>T on the coding strand, the complement: ARSL is on the minus strand). VCF-style: chrX-2934971-G-A. GRCh37 (hg19) VCF-style: chrX-2853012-G-A.
Other names: c.1706C>T, p.Ala569Val (NM_001282628.2, NM_001369080.1); c.1469C>T, p.Ala490Val (NM_001282631.2, NM_001440750.1); c.1658C>T, p.Ala553Val (NM_001369079.1); c.1631C>T, p.Ala544Val (NM_001440751.1); short protein forms A553V, A569V, A490V, A544V.
Identifiers: ClinVar variation 4761895 (VCV004761895.1).